The following is an entry in ClinVar:

ClinVar aggregate classification (germline): Pathogenic (1 of 4 stars; one submission).

Allele frequency attached by ClinVar (database versions not stated): gnomAD 0.00001; gnomAD exomes 0.00001; TOPMed 0.00001.

Submission:

Labcorp Genetics (formerly Invitae), Labcorp
Classification: Pathogenic. Last evaluated: 2021-08-18. Review status: criteria provided, single submitter. Criteria: Invitae Variant Classification Sherloc (09022015). Collection method: clinical testing. Allele origin: germline.
Comment: This sequence change creates a premature translational stop signal (p.Ile165Metfs*11) in the DNASE1L3 gene. It is expected to result in an absent or disrupted protein product. Loss-of-function variants in DNASE1L3 are known to be pathogenic (PMID: 24206041, 27821515). This variant is not present in population databases (ExAC no frequency). This variant has not been reported in the literature in individuals affected with DNASE1L3-related conditions. For these reasons, this variant has been classified as Pathogenic.

Literature cited by the submitters: PubMed 24206041; PubMed 27821515.

NM_004944.4(DNASE1L3):c.495del (p.Ile165fs)

Gene: DNASE1L3 (deoxyribonuclease 1L3; minus strand). Cytogenetic location: 3p14.3.
Variant type: Deletion.
Coding change: c.495del on transcript NM_004944.4 (MANE Select); coding-DNA position 495, one base deleted (C; older notation c.495delC).
Protein change: p.Ile165fs; shifts the reading frame from isoleucine 165.
Molecular consequence: frameshift variant.
Genome position (GRCh38, 1-based): chr3:58,201,048, G deleted on the plus strand (C on the coding strand, the reverse complement: DNASE1L3 is on the minus strand). VCF-style (leftmost placement, unchanged base first): chr3-58201047-CG-C. GRCh37 (hg19) VCF-style: chr3-58186774-CG-C.
Other names: c.405del, p.Ile135fs (NM_001256560.2); short protein forms I165fs, I135fs.
Identifiers: ClinVar variation 1388626 (VCV001388626.6), dbSNP rs1262446616, ClinGen allele CA543251007.